The following is an entry in ClinVar:

NM_001377.3(DYNC2H1):c.11621del (p.Cys3874fs)

Gene: DYNC2H1 (dynein cytoplasmic 2 heavy chain 1; plus strand). Cytogenetic location: 11q22.3.
Variant type: Deletion.
Coding change: c.11621del on transcript NM_001377.3 (MANE Select); coding-DNA position 11621, one base deleted (G; older notation c.11621delG).
Protein change: p.Cys3874fs; shifts the reading frame from cysteine 3874.
Molecular consequence: frameshift variant.
Genome position (GRCh38, 1-based): chr11:103,312,005, G deleted. VCF-style (leftmost placement, unchanged base first): chr11-103312004-TG-T. GRCh37 (hg19) VCF-style: chr11-103182733-TG-T.
Other names: c.11642del, p.Cys3881fs (NM_001080463.2); short protein forms C3874fs, C3881fs.
Identifiers: ClinVar variation 2836961 (VCV002836961.3), dbSNP rs2496903151, ClinGen allele CA2739270800.

ClinVar aggregate classification (germline): Pathogenic (1 of 4 stars; one submission).

Conditions:
Jeune thoracic dystrophy. Also called: Short-rib thoracic dysplasia; Jeune syndrome; Infantile thoracic dystrophy; Thoracic pelvic phalangeal dystrophy; Jeune's syndrome; Chondroectodermal dysplasia-like syndrome. Identifiers: Orphanet 474, MedGen C0265275, MONDO:0018770.

Submission:

Labcorp Genetics (formerly Invitae), Labcorp
Classification: Pathogenic for Jeune thoracic dystrophy. Last evaluated: 2023-02-14. Review status: criteria provided, single submitter. Criteria: Invitae Variant Classification Sherloc (09022015). Collection method: clinical testing. Allele origin: germline.
Comment: This variant is not present in population databases (gnomAD no frequency). This variant has not been reported in the literature in individuals affected with DYNC2H1-related conditions. For these reasons, this variant has been classified as Pathogenic. This sequence change creates a premature translational stop signal (p.Cys3881Phefs*58) in the DYNC2H1 gene. It is expected to result in an absent or disrupted protein product. Loss-of-function variants in DYNC2H1 are known to be pathogenic (PMID: 23339108, 32753734).

Literature cited by the submitters: PubMed 23339108; PubMed 32753734.